The following is an entry in ClinVar:

NM_001243133.2(NLRP3):c.2711C>T (p.Ser904Leu)

Gene: NLRP3 (NLR family pyrin domain containing 3; plus strand). Cytogenetic location: 1q44.
Variant type: single nucleotide variant.
Coding change: c.2711C>T on transcript NM_001243133.2 (MANE Select); coding-DNA position 2711, C replaced by T.
Protein change: p.Ser904Leu; replaces serine 904 with leucine.
Molecular consequence: missense variant.
Genome position (GRCh38, 1-based): chr1:247,444,019, C>T. VCF-style: chr1-247444019-C-T. GRCh37 (hg19) VCF-style: chr1-247607321-C-T.
Other names: p.Ser906Leu; c.2711C>T, p.Ser904Leu (NM_001079821.3); c.2540C>T, p.Ser847Leu (NM_001127461.3, NM_001127462.3); c.2717C>T, p.Ser906Leu (NM_004895.5); c.2369C>T, p.Ser790Leu (NM_183395.3); short protein forms S847L, S904L, S790L, S906L.
Identifiers: ClinVar variation 2154466 (VCV002154466.7), dbSNP rs200590698, ClinGen allele CA1495342.

ClinVar aggregate classification (germline): Conflicting classifications of pathogenicity. Review status: criteria provided, conflicting classifications (1 of 4 stars). 4 submissions from 4 submitters: Uncertain significance (3); Likely benign (1). Last evaluated 2026-01-05.

Conditions:
Cryopyrin associated periodic syndrome (CAPS). Identifiers: Orphanet 208650, MedGen C2316212, MONDO:0016168.
Keratitis fugax hereditaria. Also called: KERATOENDOTHELIITIS FUGAX HEREDITARIA. Identifiers: Orphanet 647815, MedGen C1835697, MONDO:0007849, OMIM 148200.
Familial cold autoinflammatory syndrome 1 (FCAS1). Also called: Familial cold inflammatory syndrome 1; CRYOPYRIN-ASSOCIATED PERIODIC SYNDROME 1. Identifiers: Orphanet 47045, MedGen C4551895, MONDO:0007349, OMIM 120100.
Chronic infantile neurological, cutaneous and articular syndrome (CINCA). Also called: CRYOPYRIN-ASSOCIATED PERIODIC SYNDROME 3; CHRONIC NEUROLOGIC CUTANEOUS AND ARTICULAR SYNDROME; Prieur Griscelli syndrome; CINCA syndrome. Identifiers: Orphanet 1451, MedGen C0409818, MONDO:0011776, OMIM 607115.
Familial amyloid nephropathy with urticaria AND deafness (MWS). Also called: UDA SYNDROME; URTICARIA-DEAFNESS-AMYLOIDOSIS SYNDROME; CRYOPYRIN-ASSOCIATED PERIODIC SYNDROME 2; MUCKLE-WELLS SYNDROME; Urticaria, deafness and amyloidosis. Identifiers: Orphanet 575, MedGen C0268390, MONDO:0008633, OMIM 191900.
Hearing loss, autosomal dominant 34, with or without inflammation. Also called: DEAFNESS, AUTOSOMAL DOMINANT 34, WITH OR WITHOUT INFLAMMATION. Identifiers: MedGen C4521680, MONDO:0033261, OMIM 617772.

Allele frequency attached by ClinVar (database versions not stated): gnomAD 0.00001; gnomAD exomes 0.00001; ExAC 0.00002; TOPMed 0.00002.
gnomAD v4.1: 18 of 1,614,008 alleles (0.0011%); highest among the groups gnomAD compares: South Asian, 0.0044%; no homozygotes.

Submissions (4):

Labcorp Genetics (formerly Invitae), Labcorp
Classification: Uncertain significance for Cryopyrin associated periodic syndrome. Last evaluated: 2026-01-05. Review status: criteria provided, single submitter. Criteria: Invitae Variant Classification Sherloc (09022015). Collection method: clinical testing. Allele origin: germline.
Comment: This sequence change replaces serine, which is neutral and polar, with leucine, which is neutral and non-polar, at codon 906 of the NLRP3 protein (p.Ser906Leu). This variant is present in population databases (rs200590698, gnomAD 0.006%). This variant has not been reported in the literature in individuals affected with NLRP3-related conditions. ClinVar contains an entry for this variant (Variation ID: 2154466). Invitae Evidence Modeling of protein sequence and biophysical properties (such as structural, functional, and spatial information, amino acid conservation, physicochemical variation, residue mobility, and thermodynamic stability) indicates that this missense variant is not expected to disrupt NLRP3 protein function with a negative predictive value of 95%. In summary, the available evidence is currently insufficient to determine the role of this variant in disease. Therefore, it has been classified as a Variant of Uncertain Significance.

Mayo Clinic Laboratories, Mayo Clinic
Classification: Uncertain significance. Last evaluated: 2024-09-03. Review status: criteria provided, single submitter. Criteria: ACMG Guidelines, 2015. Collection method: clinical testing. Allele origin: germline. Observed: 1 variant allele.
Comment: BP4, PM2

Fulgent Genetics
Classification: Uncertain significance for Familial cold autoinflammatory syndrome 1; Keratitis fugax hereditaria; Familial amyloid nephropathy with urticaria AND deafness; Chronic infantile neurological, cutaneous and articular syndrome; Hearing loss, autosomal dominant 34, with or without inflammation. Last evaluated: 2023-12-28. Review status: criteria provided, single submitter. Criteria: ACMG Guidelines, 2015. Collection method: clinical testing. Allele origin: germline.

Blueprint Genetics
Classification: Likely benign. Last evaluated: 2022-12-20. Review status: criteria provided, single submitter. Criteria: ACMG Guidelines, 2015. Collection method: clinical testing. Allele origin: germline.